The following is an entry in ClinVar:

ClinVar aggregate classification (germline): Uncertain significance. Review status: criteria provided, multiple submitters, no conflicts (2 of 4 stars). 3 submissions from 3 submitters: Uncertain significance (3). Last evaluated 2024-09-29.

Conditions:
Noonan syndrome 9 (NS9). Identifiers: Orphanet 648, MedGen C4225282, MONDO:0014691, OMIM 616559.
Cardiovascular phenotype. Identifiers: MedGen CN230736.

Allele frequency attached by ClinVar (database versions not stated): TOPMed below 0.00001; ExAC 0.00001; gnomAD 0.00001; gnomAD exomes 0.00001 and 0.00006.
gnomAD v4.1: 92 of 1,613,344 alleles (0.0057%); highest among the groups gnomAD compares: Non-Finnish European, 0.0076%; no homozygotes.

Submissions (3):

Labcorp Genetics (formerly Invitae), Labcorp
Classification: Uncertain significance for Noonan syndrome 9. Last evaluated: 2024-09-29. Review status: criteria provided, single submitter. Criteria: Invitae Variant Classification Sherloc (09022015). Collection method: clinical testing. Allele origin: germline.
Comment: This sequence change replaces asparagine, which is neutral and polar, with aspartic acid, which is acidic and polar, at codon 749 of the SOS2 protein (p.Asn749Asp). This variant is present in population databases (rs764992819, gnomAD 0.002%). This variant has not been reported in the literature in individuals affected with SOS2-related conditions. ClinVar contains an entry for this variant (Variation ID: 1482671). Invitae Evidence Modeling of protein sequence and biophysical properties (such as structural, functional, and spatial information, amino acid conservation, physicochemical variation, residue mobility, and thermodynamic stability) indicates that this missense variant is not expected to disrupt SOS2 protein function with a negative predictive value of 95%. In summary, the available evidence is currently insufficient to determine the role of this variant in disease. Therefore, it has been classified as a Variant of Uncertain Significance.

Ambry Genetics
Classification: Uncertain significance for Cardiovascular phenotype. Last evaluated: 2022-03-19. Review status: criteria provided, single submitter. Criteria: Ambry Variant Classification Scheme 2023. Collection method: clinical testing. Allele origin: germline.
Comment: The p.N749D variant (also known as c.2245A>G), located in coding exon 14 of the SOS2 gene, results from an A to G substitution at nucleotide position 2245. The asparagine at codon 749 is replaced by aspartic acid, an amino acid with highly similar properties. This amino acid position is conserved. In addition, this alteration is predicted to be tolerated by in silico analysis. Since supporting evidence is limited at this time, the clinical significance of this alteration remains unclear.

Genome-Nilou Lab
Classification: Uncertain significance for Noonan syndrome 9. Review status: criteria provided, single submitter. Criteria: ACMG Guidelines, 2015. Collection method: clinical testing. Allele origin: germline.

NM_006939.4(SOS2):c.2245A>G (p.Asn749Asp)

Gene: SOS2 (SOS Ras/Rho guanine nucleotide exchange factor 2; minus strand). Cytogenetic location: 14q21.3.
Variant type: single nucleotide variant.
Coding change: c.2245A>G on transcript NM_006939.4 (MANE Select); coding-DNA position 2245, A replaced by G.
Protein change: p.Asn749Asp; replaces asparagine 749 with aspartic acid.
Molecular consequence: missense variant.
Genome position (GRCh38, 1-based): chr14:50,150,147, T>C on the plus strand (A>G on the coding strand, the complement: SOS2 is on the minus strand). VCF-style: chr14-50150147-T-C. GRCh37 (hg19) VCF-style: chr14-50616865-T-C.
Other names: short protein forms N749D.
Identifiers: ClinVar variation 1482671 (VCV001482671.9), dbSNP rs764992819, ClinGen allele CA7177083.